The following is an entry in ClinVar:

NM_001465.6(FYB1):c.459G>A (p.Pro153=)

Gene: FYB1 (FYN binding protein 1; minus strand). Cytogenetic location: 5p13.1.
Variant type: single nucleotide variant.
Coding change: c.459G>A on transcript NM_001465.6 (MANE Select); coding-DNA position 459, G replaced by A.
Protein change: p.Pro153=; no amino-acid change (proline 153 retained).
Molecular consequence: synonymous variant.
Genome position (GRCh38, 1-based): chr5:39,202,502, C>T on the plus strand (G>A on the coding strand, the complement: FYB1 is on the minus strand). VCF-style: chr5-39202502-C-T. GRCh37 (hg19) VCF-style: chr5-39202604-C-T.
Other names: c.489G>A, p.Pro163= (NM_001243093.2, NM_018594.2); c.459G>A, p.Pro153= (NM_001349333.2, NM_199335.5); c.489G>A (NM_001243093.1).
Identifiers: ClinVar variation 2655444 (VCV002655444.26), dbSNP rs369250314, ClinGen allele CA3246488.

ClinVar aggregate classification (germline): Likely benign. Review status: criteria provided, multiple submitters, no conflicts (2 of 4 stars). 3 submissions from 3 submitters: Likely benign (3). Last evaluated 2025-09-30.

Conditions:
FYB1-related disorder. Also called: FYB1-related condition.

Allele frequency attached by ClinVar (database versions not stated): gnomAD 0.00027; ESP Exome Variant Server 0.00033; TOPMed 0.00033; ExAC 0.00037.
gnomAD v4.1: 530 of 1,613,926 alleles (0.033%); highest among the groups gnomAD compares: Middle Eastern, 0.84%; 4 homozygotes.

Submissions (3):

PreventionGenetics, part of Exact Sciences
Classification: Likely benign for FYB1-related condition. Last evaluated: 2025-09-30. Review status: criteria provided, single submitter. Criteria: ACMG Guidelines, 2015. Collection method: clinical testing. Allele origin: germline.
Comment: This variant is classified as likely benign based on ACMG/AMP sequence variant interpretation guidelines (Richards et al. 2015 PMID: 25741868, with internal and published modifications).

Blueprint Genetics
Classification: Likely benign. Last evaluated: 2024-11-21. Review status: criteria provided, single submitter. Criteria: ACMG Guidelines, 2015. Collection method: clinical testing. Allele origin: germline.

CeGaT Center for Human Genetics Tuebingen
Classification: Likely benign. Last evaluated: 2022-04-01. Review status: criteria provided, single submitter. Criteria: CeGaT Center For Human Genetics Tuebingen Variant Classification Criteria Version 2. Collection method: clinical testing. Allele origin: germline. Affected: yes. Observed: 1 variant allele.
Comment: FYB1: BP4, BP7